The following is an entry in ClinVar:

ClinVar aggregate classification (germline): Uncertain significance (1 of 4 stars; one submission).

Submission:

GeneDx
Classification: Uncertain significance. Last evaluated: 2025-06-12. Review status: criteria provided, single submitter. Criteria: GeneDx Variant Classification Process June 2021. Collection method: clinical testing. Allele origin: germline. Affected: yes.
Comment: Not observed at significant frequency in large population cohorts (gnomAD); In silico analysis suggests that this missense variant does not alter protein structure/function; Has not been previously published as pathogenic or benign to our knowledge

NM_001373.1:c.7427T>A

Gene: DNAH14 (dynein axonemal heavy chain 14; plus strand).
Variant type: single nucleotide variant.
Identifiers: ClinVar variation 4538124 (VCV004538124.1).